The following is an entry in ClinVar:

ClinVar aggregate classification (germline): Likely pathogenic (1 of 4 stars; one submission).

Conditions:
Medium-chain acyl-coenzyme A dehydrogenase deficiency (ACADMD). Also called: MCAD Deficiency; CARNITINE DEFICIENCY SECONDARY TO MEDIUM-CHAIN ACYL-CoA DEHYDROGENASE DEFICIENCY; MCADH DEFICIENCY; ACADM DEFICIENCY; MCADD; Medium chain acyl-CoA dehydrogenase deficiency. Identifiers: Orphanet 42, MedGen C0220710, MONDO:0008721, OMIM 201450.

gnomAD v4.1: 2 of 1,612,798 alleles (0.00012%); highest among the groups gnomAD compares: Non-Finnish European, 0.00017%; no homozygotes.

Submission:

Natera, Inc.
Classification: Likely pathogenic for Medium Chain Acyl-CoA Dehydrogenase Deficiency. Last evaluated: 2025-12-30. Review status: criteria provided, single submitter. Criteria: Natera Variant Classification Schema (03/2026). Collection method: clinical testing. Allele origin: germline.
Comment: The c.499T>C variant in ACADM is a missense variant predicted to cause substitution of serine to proline at amino acid 167. This variant is rare in the general population with a frequency below the threshold expected for the associated phenotype(s). This variant has been observed in one or more individuals affected with the associated recessive disease, as either homozygous or compound heterozygous with a second variant (PMID: 18450854, 15171998). Computational prediction algorithms indicate this variant is likely to affect gene or protein function. Given the available evidence, this variant is classified as Likely Pathogenic.

Literature cited by the submitters: PubMed 18450854; PubMed 15171998.

NM_000016.6(ACADM):c.499T>C (p.Ser167Pro)

Gene: ACADM (acyl-CoA dehydrogenase medium chain; plus strand). Cytogenetic location: 1p31.1.
Variant type: single nucleotide variant.
Coding change: c.499T>C on transcript NM_000016.6 (MANE Select); coding-DNA position 499, T replaced by C.
Protein change: p.Ser167Pro; replaces serine 167 with proline.
Molecular consequence: missense variant. On other transcripts: 5 prime UTR variant (1).
Genome position (GRCh38, 1-based): chr1:75,740,010, T>C. VCF-style: chr1-75740010-T-C. GRCh37 (hg19) VCF-style: chr1-76205695-T-C.
Other names: c.511T>C, p.Ser171Pro (NM_001127328.3); c.391T>C, p.Ser131Pro (NM_001286042.2); c.598T>C, p.Ser200Pro (NM_001286043.2); c.-69T>C (NM_001286044.2); short protein forms S131P, S167P, S171P, S200P.
Identifiers: ClinVar variation 4814990 (VCV004814990.1).